The following is an entry in ClinVar:

ClinVar aggregate classification (germline): Uncertain significance. Review status: criteria provided, multiple submitters, no conflicts (2 of 4 stars). 3 submissions from 3 submitters: Uncertain significance (3). Last evaluated 2023-09-04.

Conditions:
Renal cell carcinoma. Identifiers: Orphanet 217071, MedGen C0007134, MeSH D002292, MONDO:0005086, HP:0005584.
Hereditary cancer-predisposing syndrome. Also called: Hereditary neoplastic syndrome; Tumor predisposition; Neoplastic Syndromes, Hereditary; Hereditary Cancer Syndrome. Identifiers: Orphanet 140162, MedGen C0027672, MeSH D009386, MONDO:0015356.

Allele frequency attached by ClinVar (database versions not stated): gnomAD exomes below 0.00001; TOPMed below 0.00001.
gnomAD v4.1: 1 of 1,613,920 alleles (0.000062%); highest among the groups gnomAD compares: African/African-American, 0.0013%; no homozygotes.

Submissions (3):

Ambry Genetics
Classification: Uncertain significance for Hereditary cancer-predisposing syndrome. Last evaluated: 2023-09-04. Review status: criteria provided, single submitter. Criteria: Ambry Variant Classification Scheme 2023. Collection method: clinical testing. Allele origin: germline.
Comment: The p.I735V variant (also known as c.2203A>G), located in coding exon 8 of the MET gene, results from an A to G substitution at nucleotide position 2203. The isoleucine at codon 735 is replaced by valine, an amino acid with highly similar properties. This amino acid position is poorly conserved in available vertebrate species. In addition, this alteration is predicted to be tolerated by in silico analysis. Since supporting evidence is limited at this time, the clinical significance of this alteration remains unclear.

Labcorp Genetics (formerly Invitae), Labcorp
Classification: Uncertain significance for Renal cell carcinoma. Last evaluated: 2023-07-24. Review status: criteria provided, single submitter. Criteria: Invitae Variant Classification Sherloc (09022015). Collection method: clinical testing. Allele origin: germline.
Comment: In summary, the available evidence is currently insufficient to determine the role of this variant in disease. Therefore, it has been classified as a Variant of Uncertain Significance. This sequence change replaces isoleucine, which is neutral and non-polar, with valine, which is neutral and non-polar, at codon 735 of the MET protein (p.Ile735Val). This variant is present in population databases (no rsID available, gnomAD 0.003%). This variant has not been reported in the literature in individuals affected with MET-related conditions. ClinVar contains an entry for this variant (Variation ID: 655711). Advanced modeling of protein sequence and biophysical properties (such as structural, functional, and spatial information, amino acid conservation, physicochemical variation, residue mobility, and thermodynamic stability) performed at Invitae indicates that this missense variant is not expected to disrupt MET protein function.

GeneDx
Classification: Uncertain significance. Last evaluated: 2019-07-03. Review status: criteria provided, single submitter. Criteria: GeneDx Variant Classification Process June 2021. Collection method: clinical testing. Allele origin: germline. Affected: yes.
Comment: Not observed at a significant frequency in large population cohorts (Lek et al., 2016); In silico analysis, which includes protein predictors and evolutionary conservation, supports that this variant does not alter protein structure/function; Has not been previously published as pathogenic or benign to our knowledge

NM_000245.4(MET):c.2203A>G (p.Ile735Val)

Gene: MET (MET proto-oncogene, receptor tyrosine kinase; plus strand). Cytogenetic location: 7q31.2.
Variant type: single nucleotide variant.
Coding change: c.2203A>G on transcript NM_000245.4 (MANE Select); coding-DNA position 2203, A replaced by G.
Protein change: p.Ile735Val; replaces isoleucine 735 with valine.
Molecular consequence: missense variant.
Genome position (GRCh38, 1-based): chr7:116,758,559, A>G. VCF-style: chr7-116758559-A-G. GRCh37 (hg19) VCF-style: chr7-116398613-A-G.
Other names: c.2203A>G, p.Ile735Val (NM_001127500.3, NM_001324401.3); c.913A>G, p.Ile305Val (NM_001324402.2); short protein forms I305V, I735V.
Identifiers: ClinVar variation 655711 (VCV000655711.14), dbSNP rs1398648043, ClinGen allele CA368980709.
Genomic context (GRCh38, chr7:116,758,559, plus strand): 5'-ACCATTTCAACTGAGTTTGCTGTTAAATTGAAAATTGACTTAGCCAACCGAGAGACAAGC[A>G]TCTTCAGTTACCGTGAAGATCCCATTGTCTATGAAATTCATCCAACCAAATCTTTTATTA-3'
Protein context (NP_000236.2, residues 725-745): KIDLANRETS[Ile735Val]FSYREDPIVY